The following is an entry in ClinVar:

ClinVar aggregate classification (germline): Uncertain significance (1 of 4 stars; one submission).

Submission:

Labcorp Genetics (formerly Invitae), Labcorp
Classification: Uncertain significance. Last evaluated: 2023-12-15. Review status: criteria provided, single submitter. Criteria: Invitae Variant Classification Sherloc (09022015). Collection method: clinical testing. Allele origin: unknown.
Comment: A copy number gain of the genomic region encompassing the full coding sequence of the FRMPD4 gene has been identified. The boundaries of this event are unknown as they extend beyond the assayed region for this gene and therefore may encompass additional genes. As the precise location of this event is unknown, it may be in tandem or it may be located elsewhere in the genome. This variant has not been reported in the literature in individuals affected with FRMPD4-related conditions. In summary, the available evidence is currently insufficient to determine the role of this variant in disease. Therefore, it has been classified as a Variant of Uncertain Significance.

NC_000023.10:g.(?_11308472)_(13765072_?)dup

Genes: AMELX (amelogenin X-linked; plus strand), ARHGAP6 (Rho GTPase activating protein 6; minus strand), ATXN3L (ataxin 3 like; minus strand), EGFL6 (EGF like domain multiple 6; plus strand), FAM9C (family with sequence similarity 9 member C; minus strand) and 10 more. Cytogenetic location: Xp22.2.
Variant type: Duplication.
Identifiers: ClinVar variation 3246773 (VCV003246773.1).